The following is an entry in ClinVar:

ClinVar aggregate classification (germline): Uncertain significance (1 of 4 stars; one submission).

Submission:

Labcorp Genetics (formerly Invitae), Labcorp
Classification: Uncertain significance. Last evaluated: 2022-09-02. Review status: criteria provided, single submitter. Criteria: Invitae Variant Classification Sherloc (09022015). Collection method: clinical testing. Allele origin: germline.
Comment: In summary, the available evidence is currently insufficient to determine the role of this variant in disease. Therefore, it has been classified as a Variant of Uncertain Significance. Algorithms developed to predict the effect of missense changes on protein structure and function are either unavailable or do not agree on the potential impact of this missense change (SIFT: "Tolerated"; PolyPhen-2: "Probably Damaging"; Align-GVGD: "Class C0"). This variant has not been reported in the literature in individuals affected with TYRP1-related conditions. This variant is not present in population databases (gnomAD no frequency). This sequence change replaces aspartic acid, which is acidic and polar, with asparagine, which is neutral and polar, at codon 86 of the TYRP1 protein (p.Asp86Asn).

NM_000550.3(TYRP1):c.256G>A (p.Asp86Asn)

Gene: TYRP1 (tyrosinase related protein 1; plus strand). Cytogenetic location: 9p23.
Variant type: single nucleotide variant.
Coding change: c.256G>A on transcript NM_000550.3 (MANE Select); coding-DNA position 256, G replaced by A.
Protein change: p.Asp86Asn; replaces aspartic acid 86 with asparagine.
Molecular consequence: missense variant.
Genome position (GRCh38, 1-based): chr9:12,694,252, G>A. VCF-style: chr9-12694252-G-A. GRCh37 (hg19) VCF-style: chr9-12694252-G-A.
Other names: short protein forms D86N.
Identifiers: ClinVar variation 2014438 (VCV002014438.4), dbSNP rs1563851602, ClinGen allele CA372936674.